The following is an entry in ClinVar:

NM_006514.4(SCN10A):c.903G>A (p.Lys301=)

Gene: SCN10A (sodium voltage-gated channel alpha subunit 10; minus strand). Cytogenetic location: 3p22.2.
Variant type: single nucleotide variant.
Coding change: c.903G>A on transcript NM_006514.4 (MANE Select); coding-DNA position 903, G replaced by A.
Protein change: p.Lys301=; no amino-acid change (lysine 301 retained).
Molecular consequence: synonymous variant.
Genome position (GRCh38, 1-based): chr3:38,760,728, C>T on the plus strand (G>A on the coding strand, the complement: SCN10A is on the minus strand). VCF-style: chr3-38760728-C-T. GRCh37 (hg19) VCF-style: chr3-38802219-C-T.
Other names: c.903G>A, p.Lys301= (NM_001293306.2, NM_001293307.2); c.903G>A (NM_006514.3).
Identifiers: ClinVar variation 390130 (VCV000390130.11), dbSNP rs750691811, ClinGen allele CA2321031.

ClinVar aggregate classification (germline): Likely benign. Review status: criteria provided, multiple submitters, no conflicts (2 of 4 stars). 4 submissions from 4 submitters: Likely benign (4). Last evaluated 2025-08-18.

Conditions:
SCN10A-related disorder. Also called: SCN10A-related condition.
Cardiovascular phenotype. Identifiers: MedGen CN230736.
Brugada syndrome. Also called: Sudden unexpected nocturnal death syndrome; Sudden Unexplained Death Syndrome; Sudden Unexplained Nocturnal Death Syndrome (SUNDS); Sudden unexplained nocturnal death syndrome. Identifiers: Orphanet 130, MedGen C1142166, MONDO:0015263.

Allele frequency attached by ClinVar (database versions not stated): gnomAD 0.00001 and 0.00002; TOPMed 0.00003; gnomAD exomes 0.00005 and 0.00008; ExAC 0.00010.
gnomAD v4.1: 77 of 1,613,908 alleles (0.0048%); highest among the groups gnomAD compares: Middle Eastern, 0.082%; no homozygotes.

Submissions (4):

Labcorp Genetics (formerly Invitae), Labcorp
Classification: Likely benign for Brugada syndrome. Last evaluated: 2025-08-18. Review status: criteria provided, single submitter. Criteria: Invitae Variant Classification Sherloc (09022015). Collection method: clinical testing. Allele origin: germline.

PreventionGenetics, part of Exact Sciences
Classification: Likely benign for SCN10A-related condition. Last evaluated: 2025-01-16. Review status: criteria provided, single submitter. Criteria: ACMG Guidelines, 2015. Collection method: clinical testing. Allele origin: germline.
Comment: This variant is classified as likely benign based on ACMG/AMP sequence variant interpretation guidelines (Richards et al. 2015 PMID: 25741868, with internal and published modifications).

Ambry Genetics
Classification: Likely benign for Cardiovascular phenotype. Last evaluated: 2019-07-11. Review status: criteria provided, single submitter. Criteria: Ambry Variant Classification Scheme 2023. Collection method: clinical testing. Allele origin: germline.

GeneDx
Classification: Likely benign. Last evaluated: 2016-10-20. Review status: criteria provided, single submitter. Criteria: GeneDx Variant Classification (06012015). Collection method: clinical testing. Allele origin: germline. Affected: yes.
Comment: This variant is considered likely benign or benign based on one or more of the following criteria: it is a conservative change, it occurs at a poorly conserved position in the protein, it is predicted to be benign by multiple in silico algorithms, and/or has population frequency not consistent with disease.